The following is an entry in ClinVar:

NM_000350.3(ABCA4):c.694C>T (p.Leu232Phe)

Gene: ABCA4 (ATP binding cassette subfamily A member 4; minus strand). Cytogenetic location: 1p22.1.
Variant type: single nucleotide variant.
Coding change: c.694C>T on transcript NM_000350.3 (MANE Select); coding-DNA position 694, C replaced by T.
Protein change: p.Leu232Phe; replaces leucine 232 with phenylalanine.
Molecular consequence: missense variant.
Genome position (GRCh38, 1-based): chr1:94,098,868, G>A on the plus strand (C>T on the coding strand, the complement: ABCA4 is on the minus strand). VCF-style: chr1-94098868-G-A. GRCh37 (hg19) VCF-style: chr1-94564424-G-A.
Other names: c.694C>T, p.Leu232Phe (NM_001425324.1); short protein forms L232F.
Identifiers: ClinVar variation 1496242 (VCV001496242.5), dbSNP rs757844726, ClinGen allele CA958763.

ClinVar aggregate classification (germline): Uncertain significance. Review status: criteria provided, multiple submitters, no conflicts (2 of 4 stars). 2 submissions from 2 submitters: Uncertain significance (2). Last evaluated 2024-11-20.

Allele frequency attached by ClinVar (database versions not stated): gnomAD exomes 0.00002 and 0.00005; gnomAD 0.00003 and 0.00004; TOPMed 0.00003; ExAC 0.00006.

Submissions (2):

Blueprint Genetics
Classification: Uncertain significance. Last evaluated: 2024-11-20. Review status: criteria provided, single submitter. Criteria: ACMG Guidelines, 2015. Collection method: clinical testing. Allele origin: germline.

Labcorp Genetics (formerly Invitae), Labcorp
Classification: Uncertain significance. Last evaluated: 2024-05-22. Review status: criteria provided, single submitter. Criteria: Invitae Variant Classification Sherloc (09022015). Collection method: clinical testing. Allele origin: germline.
Comment: This sequence change replaces leucine, which is neutral and non-polar, with phenylalanine, which is neutral and non-polar, at codon 232 of the ABCA4 protein (p.Leu232Phe). This variant is present in population databases (rs757844726, gnomAD 0.01%). This missense change has been observed in individual(s) with macular and cone/cone-rod dystrophy (PMID: 29555955, 35836572). ClinVar contains an entry for this variant (Variation ID: 1496242). Advanced modeling of protein sequence and biophysical properties (such as structural, functional, and spatial information, amino acid conservation, physicochemical variation, residue mobility, and thermodynamic stability) performed at Invitae indicates that this missense variant is expected to disrupt ABCA4 protein function with a positive predictive value of 95%. In summary, the available evidence is currently insufficient to determine the role of this variant in disease. Therefore, it has been classified as a Variant of Uncertain Significance.

Literature cited by the submitters: PubMed 29555955 (cited by Labcorp Genetics (formerly Invitae), Labcorp); PubMed 35836572 (cited by Labcorp Genetics (formerly Invitae), Labcorp).